The following is an entry in ClinVar:

ClinVar aggregate classification (germline): Pathogenic (1 of 4 stars; one submission).

Conditions:
Tumor predisposition syndrome 3 (TPDS3). Also called: Melanoma, cutaneous malignant, susceptibility to, 10; Glioma susceptibility 9; LONG TELOMERE SYNDROME, POT1-RELATED; POT1 Tumor Predisposition. Identifiers: Orphanet 618, MedGen C4014476, MONDO:0014368, OMIM 615848.

Submission:

Labcorp Genetics (formerly Invitae), Labcorp
Classification: Pathogenic for Tumor predisposition syndrome 3. Last evaluated: 2022-01-12. Review status: criteria provided, single submitter. Criteria: Invitae Variant Classification Sherloc (09022015). Collection method: clinical testing. Allele origin: germline.
Comment: For these reasons, this variant has been classified as Pathogenic. This variant has not been reported in the literature in individuals affected with POT1-related conditions. This variant is not present in population databases (gnomAD no frequency). This sequence change creates a premature translational stop signal (p.Gln495*) in the POT1 gene. It is expected to result in an absent or disrupted protein product. Loss-of-function variants in POT1 are known to be pathogenic (PMID: 32155570).

Literature cited by the submitters: PubMed 32155570.

NM_015450.3(POT1):c.1483C>T (p.Gln495Ter)

Gene: POT1 (protection of telomeres 1; minus strand). Cytogenetic location: 7q31.33.
Variant type: single nucleotide variant.
Coding change: c.1483C>T on transcript NM_015450.3 (MANE Select); coding-DNA position 1483, C replaced by T.
Protein change: p.Gln495Ter; replaces glutamine 495 with a stop codon.
Molecular consequence: nonsense. On other transcripts: non-coding transcript variant (3).
Genome position (GRCh38, 1-based): chr7:124,835,301, G>A on the plus strand (C>T on the coding strand, the complement: POT1 is on the minus strand). VCF-style: chr7-124835301-G-A. GRCh37 (hg19) VCF-style: chr7-124475355-G-A.
Other names: c.1090C>T, p.Gln364Ter (NM_001042594.2); short protein forms Q364*, Q495*.
Identifiers: ClinVar variation 2070411 (VCV002070411.4), dbSNP rs2116443901, ClinGen allele CA369065474.